The following is an entry in ClinVar:

ClinVar aggregate classification (germline): Pathogenic. Review status: criteria provided, single submitter (1 of 4 stars). 2 submissions from 2 submitters: Pathogenic (1). 1 of the submissions does not count toward it. Last evaluated 2021-05-18.

Conditions:
Hereditary fructosuria. Also called: ALDOB DEFICIENCY; ALDOLASE B DEFICIENCY; FRUCTOSE-1,6-BISPHOSPHATE ALDOLASE B DEFICIENCY; FRUCTOSE-1-PHOSPHATE ALDOLASE DEFICIENCY; FRUCTOSEMIA; Fructose intolerance. Identifiers: Orphanet 469, MedGen C0016751, MONDO:0009249, OMIM 229600, HP:0005973. Disease mechanism: loss of function.

Submissions (2):

Labcorp Genetics (formerly Invitae), Labcorp
Classification: Pathogenic for Hereditary fructosuria. Last evaluated: 2021-05-18. Review status: criteria provided, single submitter. Criteria: Invitae Variant Classification Sherloc (09022015). Collection method: clinical testing. Allele origin: germline.
Comment: This sequence change creates a premature translational stop signal (p.Thr281Serfs*54) in the ALDOB gene. While this is not anticipated to result in nonsense mediated decay, it is expected to disrupt the last 84 amino acid(s) of the ALDOB protein. This variant is not present in population databases (ExAC no frequency). This variant has been observed in individual(s) with hereditary fructose intolerance (PMID: 15880727). This variant disrupts the C-terminus of the ALDOB protein. Other variant(s) that disrupt this region (p.Lys317Thrfs*24) have been determined to be pathogenic (Invitae). This suggests that variants that disrupt this region of the protein are likely to be causative of disease. For these reasons, this variant has been classified as Pathogenic.

ATS em Genética Clínica, Universidade Federal do Rio Grande do Sul
Classification: Likely pathogenic for Hereditary fructosuria. Last evaluated: 2021-03-18. Review status: no assertion criteria provided. Collection method: literature only. Allele origin: unknown. Affected: yes. Not counted in ClinVar's aggregate classification.

Literature cited by the submitters: PubMed 15880727 (cited by Labcorp Genetics (formerly Invitae), Labcorp and ATS em Genética Clínica, Universidade Federal do Rio Grande do Sul).

NM_000035.4(ALDOB):c.841_842del (p.Thr281fs)

Gene: ALDOB (aldolase, fructose-bisphosphate B; minus strand). Cytogenetic location: 9q31.1.
Variant type: Deletion.
Coding change: c.841_842del on transcript NM_000035.4 (MANE Select); coding-DNA positions 841 to 842, 2 bases deleted (AC; older notation c.841_842delAC).
Protein change: p.Thr281fs; shifts the reading frame from threonine 281.
Molecular consequence: frameshift variant.
Genome position (GRCh38, 1-based): chr9:101,425,000-101,425,001, GT deleted on the plus strand (AC on the coding strand, the reverse complement: ALDOB is on the minus strand); deleting any 2 consecutive bases within chr9:101,425,000-101,425,002 gives the same sequence; the c. name uses the placement nearest the transcript's 3' end. VCF-style (leftmost placement, unchanged base first): chr9-101424999-AGT-A. GRCh37 (hg19) VCF-style: chr9-104187281-AGT-A.
Other names: short protein forms T281fs.
Identifiers: ClinVar variation 1065867 (VCV001065867.9), dbSNP rs2118342944, ClinGen allele CA2499219514.